The following is an entry in ClinVar:

ClinVar aggregate classification (germline): Uncertain significance (1 of 4 stars; one submission).

Conditions:
Autosomal recessive complex spastic paraplegia type 9B. Also called: Spastic paraplegia 9b, autosomal recessive. Identifiers: Orphanet 447760, MedGen C5568980, MONDO:0014702, OMIM 616586.

gnomAD v4.1: 1 of 1,614,196 alleles (0.000062%); highest among the groups gnomAD compares: Non-Finnish European, 0.000085%; no homozygotes.

Submission:

Victorian Clinical Genetics Services, Murdoch Childrens Research Institute
Classification: Uncertain significance for Autosomal recessive complex spastic paraplegia type 9B. Last evaluated: 2020-06-11. Review status: criteria provided, single submitter. Criteria: ACMG Guidelines, 2015. Collection method: clinical testing. Allele origin: germline. Affected: yes.
Comment: Based on the classification scheme VCGS_Germline_v1.3.2, this variant is classified as 3B-VUS. Following criteria are met: 0103 - Dominant negative and loss of function are known mechanisms of disease in this gene and are associated with spastic paraplegia. Dominant negative variants are observed in dominant inheritance, whereas loss of function variants result the recessive form of disease (OMIM). (I) 0108 - This gene is associated with both recessive and dominant disease. Variants in ALDH18A1 have been shown to cause both dominant and recessive cutis laxa and spastic paraplegia, although no clear genotype-phenotype correlations have been observed (OMIM). (I) 0200 - Variant is predicted to result in a missense amino acid change from valine to alanine. (I) 0251 - This variant is heterozygous. (I) 0301 - Variant is absent from gnomAD (both v2 and v3). (SP) 0309 - An alternative amino acid change at the same position has been observed in gnomAD (v2) (1 heterozygote, 0 homozygotes). (I) 0502 - Missense variant with conflicting in silico predictions and uninformative conservation. (I) 0604 - Variant is not located in an established domain, motif, hotspot or informative constraint region. (I) 0705 - No comparable missense variants have previous evidence for pathogenicity. (I) 0807 - This variant has no previous evidence of pathogenicity. (I) 0905 - No published segregation evidence has been identified for this variant. (I) 1007 - No published functional evidence has been identified for this variant. (I) Legend: (SP) - Supporting pathogenic, (I) - Information, (SB) - Supporting benign

NM_002860.4(ALDH18A1):c.2312T>C (p.Val771Ala)

Gene: ALDH18A1 (aldehyde dehydrogenase 18 family member A1; minus strand). Cytogenetic location: 10q24.1.
Variant type: single nucleotide variant.
Coding change: c.2312T>C on transcript NM_002860.4 (MANE Select); coding-DNA position 2312, T replaced by C.
Protein change: p.Val771Ala; replaces valine 771 with alanine.
Molecular consequence: missense variant.
Genome position (GRCh38, 1-based): chr10:95,606,838, A>G on the plus strand (T>C on the coding strand, the complement: ALDH18A1 is on the minus strand). VCF-style: chr10-95606838-A-G. GRCh37 (hg19) VCF-style: chr10-97366595-A-G.
Other names: c.2306T>C, p.Val769Ala (NM_001017423.2, NM_001323415.2); c.1979T>C, p.Val660Ala (NM_001323412.2, NM_001323416.2); c.2312T>C, p.Val771Ala (NM_001323413.2, NM_001323414.2); c.2207T>C, p.Val736Ala (NM_001323417.2); c.1973T>C, p.Val658Ala (NM_001323418.2); c.1676T>C, p.Val559Ala (NM_001323419.2); short protein forms V559A, V658A, V660A, V736A, V769A, V771A.
Identifiers: ClinVar variation 3377370 (VCV003377370.1).